The following is an entry in ClinVar:

ClinVar aggregate classification (germline): Likely pathogenic (1 of 4 stars; one submission).

Conditions:
Hereditary spastic paraplegia 11. Also called: SPASTIC PARAPLEGIA, AUTOSOMAL RECESSIVE, COMPLICATED, WITH THIN CORPUS CALLOSUM; SPASTIC PARAPLEGIA, AUTOSOMAL RECESSIVE, WITH MENTAL IMPAIRMENT AND THIN CORPUS CALLOSUM; Spastic Paraplegia 11; Nakamura Osame syndrome; Autosomal recessive hereditary spastic paraplegia, mental impairment, and thin corpus callosum; Spastic paraplegia, mental retardation and thin corpus callosum. Identifiers: Orphanet 2822, MedGen C1858479, MONDO:0011445, OMIM 604360.

gnomAD v4.1: 1 of 1,613,610 alleles (0.000062%); highest among the groups gnomAD compares: Non-Finnish European, 0.000085%; no homozygotes.

Submission:

3billion
Classification: Likely pathogenic for Hereditary spastic paraplegia 11. Last evaluated: 2024-11-27. Review status: criteria provided, single submitter. Criteria: ACMG Guidelines, 2015. Collection method: clinical testing. Allele origin: germline. Affected: yes.
Comment: The variant is observed at an extremely low frequency in the gnomAD v4.1.0 dataset (total allele frequency: <0.001%). Predicted Consequence/Location: Canonical splice site: predicted to alter splicing and result in a loss or disruption of normal protein function. The predicted truncated protein may be shortened by less than 10%. Several pathogenic variants located downstream of this variant were reported. In silico tools predict the variant to alter splicing and produce an abnormal transcript [SpliceAI: 1.00 (spliceogenicity >=0.2, non-spliceogenicity <0.1)]. Therefore, this variant is classified as Likely pathogenic according to the recommendation of ACMG/AMP guideline.

NM_025137.4(SPG11):c.7151+2T>G

Gene: SPG11 (SPG11 vesicle trafficking associated, spatacsin; minus strand). Cytogenetic location: 15q21.1.
Variant type: single nucleotide variant.
Coding change: c.7151+2T>G on transcript NM_025137.4 (MANE Select); the canonical splice donor site of the intron after coding-DNA position 7151, T replaced by G.
Molecular consequence: splice donor variant.
Genome position (GRCh38, 1-based): chr15:44,564,545, A>C on the plus strand (T>G on the coding strand, the complement: SPG11 is on the minus strand). VCF-style: chr15-44564545-A-C. GRCh37 (hg19) VCF-style: chr15-44856743-A-C.
Other names: c.7007+2T>G (NM_001411132.1); c.6812+2T>G (NM_001160227.2).
Identifiers: ClinVar variation 4294071 (VCV004294071.1).